The following is an entry in ClinVar:

NM_000053.4(ATP7B):c.1286-92A>G

Gene: ATP7B (ATPase copper transporting beta; minus strand). Cytogenetic location: 13q14.3.
Variant type: single nucleotide variant.
Coding change: c.1286-92A>G on transcript NM_000053.4 (MANE Select); 92 bases into the intron before coding-DNA position 1286, A replaced by G.
Molecular consequence: intron variant.
Genome position (GRCh38, 1-based): chr13:51,970,841, T>C on the plus strand (A>G on the coding strand, the complement: ATP7B is on the minus strand). VCF-style: chr13-51970841-T-C. GRCh37 (hg19) VCF-style: chr13-52544977-T-C.
Other names: c.953-92A>G (NM_001243182.2); c.1286-92A>G (NM_001005918.3, NM_001330579.2, NM_001330578.2).
Identifiers: ClinVar variation 676939 (VCV000676939.1), dbSNP rs74087029, ClinGen allele CA250065677.

ClinVar aggregate classification (germline): Benign (1 of 4 stars; one submission).

Allele frequency attached by ClinVar (database versions not stated): gnomAD 0.02142 and 0.02273; TOPMed 0.02379; 1000 Genomes Project 0.02536; 1000 Genomes Project 30x 0.02717.
gnomAD v4.1: 5,897 of 1,372,172 alleles (0.43%); highest among the groups gnomAD compares: African/African-American, 7.3%; 198 homozygotes.

Submission:

GeneDx
Classification: Benign. Last evaluated: 2018-06-14. Review status: criteria provided, single submitter. Criteria: GeneDx Variant Classification (06012015). Collection method: clinical testing. Allele origin: germline. Affected: yes.
Comment: This variant is considered likely benign or benign based on one or more of the following criteria: it is a conservative change, it occurs at a poorly conserved position in the protein, it is predicted to be benign by multiple in silico algorithms, and/or has population frequency not consistent with disease.